The following is an entry in ClinVar:

ClinVar aggregate classification (germline): Pathogenic (1 of 4 stars; one submission).

Conditions:
Neurofibromatosis, type 1 (NF1). Also called: VON RECKLINGHAUSEN DISEASE; NEUROFIBROMATOSIS, TYPE I, SOMATIC; Peripheral type neurofibromatosis; Neurofibromatosis, type I. Identifiers: Orphanet 636, MedGen C0027831, MONDO:0018975, OMIM 162200. Disease mechanism: loss of function.

Submission:

Labcorp Genetics (formerly Invitae), Labcorp
Classification: Pathogenic for Neurofibromatosis, type 1. Last evaluated: 2023-09-12. Review status: criteria provided, single submitter. Criteria: Invitae Variant Classification Sherloc (09022015). Collection method: clinical testing. Allele origin: germline.
Comment: This sequence change creates a premature translational stop signal (p.Tyr735Leufs*2) in the NF1 gene. It is expected to result in an absent or disrupted protein product. Loss-of-function variants in NF1 are known to be pathogenic (PMID: 10712197, 23913538). This variant is not present in population databases (gnomAD no frequency). This variant has not been reported in the literature in individuals affected with NF1-related conditions. For these reasons, this variant has been classified as Pathogenic.

Literature cited by the submitters: PubMed 10712197; PubMed 23913538.

NM_001042492.3(NF1):c.2203dup (p.Tyr735fs)

Gene: NF1 (neurofibromin 1; plus strand). Cytogenetic location: 17q11.2.
Variant type: Duplication.
Coding change: c.2203dup on transcript NM_001042492.3 (MANE Select); coding-DNA position 2203, one base duplicated (T; older notation c.2203dupT).
Protein change: p.Tyr735fs; shifts the reading frame from tyrosine 735.
Molecular consequence: frameshift variant.
Genome position (GRCh38, 1-based): chr17:31,226,636, T duplicated. VCF-style (leftmost placement, unchanged base first): chr17-31226635-C-CT. GRCh37 (hg19) VCF-style: chr17-29553653-C-CT.
Other names: c.2203dup, p.Tyr735Leufs (NM_000267.4); short protein forms Y735fs.
Identifiers: ClinVar variation 2760194 (VCV002760194.3), dbSNP rs2508158171, ClinGen allele CA2697559718.
Genomic context (GRCh38, chr17:31,226,635, plus strand): 5'-TGAGGAAGCAGATATCCGGTGTGGGGTGGATGAAGTGTCAGTGCATAACCTCTTGCCCAA[C>CT]TATAACACATTCATGGAGTTTGCCTCTGTCAGCAATATGATGTCAACAGGTAAATGTGAA-3'